The following is an entry in ClinVar:

ClinVar aggregate classification (germline): Uncertain significance. Review status: criteria provided, multiple submitters, no conflicts (2 of 4 stars). 4 submissions from 4 submitters: Uncertain significance (4). Last evaluated 2025-05-12.

Conditions:
Familial thoracic aortic aneurysm and aortic dissection (TAAD). Also called: Thoracic aortic aneurysms and dissections. Identifiers: Orphanet 91387, MedGen C4707243, MONDO:0019625.
Aortic aneurysm, familial thoracic 4 (AAT4). Also called: AORTIC ANEURYSM/AORTIC DISSECTION AND PATENT DUCTUS ARTERIOSUS. Identifiers: MedGen C1851504, MONDO:0007568, OMIM 132900.

Allele frequency attached by ClinVar (database versions not stated): TOPMed below 0.00001; gnomAD 0.00001; gnomAD exomes 0.00001.
gnomAD v4.1: 10 of 1,613,980 alleles (0.00062%); highest among the groups gnomAD compares: African/African-American, 0.0013%; no homozygotes.

Submissions (4):

Color Diagnostics, LLC DBA Color Health
Classification: Uncertain significance for Familial thoracic aortic aneurysm and aortic dissection. Last evaluated: 2025-05-12. Review status: criteria provided, single submitter. Criteria: ACMG Guidelines, 2015. Collection method: clinical testing. Allele origin: germline.
Comment: This missense variant replaces alanine with threonine at codon 1306 of the MYH11 protein. Computational prediction suggests that this variant may not impact protein structure and function. To our knowledge, functional studies have not been reported for this variant. This variant has not been reported in individuals affected with MYH11-related disorders in the literature. This variant has not been identified in the general population by the Genome Aggregation Database (gnomAD). The available evidence is insufficient to determine the role of this variant in disease conclusively. Therefore, this variant is classified as a Variant of Uncertain Significance.

Labcorp Genetics (formerly Invitae), Labcorp
Classification: Uncertain significance for Aortic aneurysm, familial thoracic 4. Last evaluated: 2024-01-04. Review status: criteria provided, single submitter. Criteria: Invitae Variant Classification Sherloc (09022015). Collection method: clinical testing. Allele origin: germline.
Comment: This sequence change replaces alanine, which is neutral and non-polar, with threonine, which is neutral and polar, at codon 1306 of the MYH11 protein (p.Ala1306Thr). This variant is not present in population databases (gnomAD no frequency). This variant has not been reported in the literature in individuals affected with MYH11-related conditions. ClinVar contains an entry for this variant (Variation ID: 450217). Advanced modeling of protein sequence and biophysical properties (such as structural, functional, and spatial information, amino acid conservation, physicochemical variation, residue mobility, and thermodynamic stability) performed at Invitae indicates that this missense variant is not expected to disrupt MYH11 protein function with a negative predictive value of 95%. In summary, the available evidence is currently insufficient to determine the role of this variant in disease. Therefore, it has been classified as a Variant of Uncertain Significance.

All of Us Research Program, National Institutes of Health
Classification: Uncertain significance for Familial thoracic aortic aneurysm and aortic dissection. Last evaluated: 2023-11-30. Review status: criteria provided, single submitter. Criteria: ACMG Guidelines, 2015. Collection method: clinical testing. Allele origin: germline. Inheritance: Autosomal dominant inheritance. Observed: 1 variant allele, 1 heterozygote.
Comment: This study involves interpretation of variants in research participants for the purpose of population health screening. Participant phenotype was not available at the time of variant classification. Additional details can be found in publication PMID: 35346344, PMCID: PMC8962531

GeneDx
Classification: Uncertain significance. Last evaluated: 2017-06-28. Review status: criteria provided, single submitter. Criteria: GeneDx Variant Classification (06012015). Collection method: clinical testing. Allele origin: germline. Affected: yes.
Comment: The A1299T variant in the MYH11 gene has not been reported previously as a pathogenic variant, nor as a benign variant, to our knowledge. The A1299T variant is not observed in large population cohorts (Lek et al., 2016; 1000 Genomes Consortium et al., 2015; Exome Variant Server). The A1299T variant is a non-conservative amino acid substitution, which is likely to impact secondary protein structure as these residues differ in polarity, charge, size and/or other properties. This substitution occurs at a position that is conserved in mammals. In silico analysis is inconsistent in its predictions as to whether or not the variant is damaging to the protein structure/function. We interpret A1299T as a variant of uncertain significance.

NM_002474.3(MYH11):c.3895G>A (p.Ala1299Thr)

Genes: MYH11 (myosin heavy chain 11; minus strand), NDE1 (nudE neurodevelopment protein 1; plus strand). Cytogenetic location: 16p13.11.
Variant type: single nucleotide variant.
Coding change: c.3895G>A on transcript NM_002474.3 (MANE Select); coding-DNA position 3895, G replaced by A.
Protein change: p.Ala1299Thr; replaces alanine 1299 with threonine.
Molecular consequence: missense variant. On other transcripts: 3 prime UTR variant (2).
Genome position (GRCh38, 1-based): chr16:15,724,956, C>T on the plus strand (G>A on the coding strand, the complement: MYH11 is on the minus strand). VCF-style: chr16-15724956-C-T. GRCh37 (hg19) VCF-style: chr16-15818813-C-T.
Other names: c.3916G>A, p.Ala1306Thr (NM_001040113.2, NM_001040114.2); c.3895G>A, p.Ala1299Thr (NM_022844.3); c.*705C>T (NM_001143979.2, NM_017668.3); short protein forms A1299T, A1306T.
Identifiers: ClinVar variation 450217 (VCV000450217.7), dbSNP rs1388360113, ClinGen allele CA394859138.